The following is an entry in ClinVar:

ClinVar aggregate classification (germline): Likely benign. Review status: criteria provided, multiple submitters, no conflicts (2 of 4 stars). 3 submissions from 3 submitters: Likely benign (3). Last evaluated 2025-01-09.

Conditions:
Hereditary cancer-predisposing syndrome. Also called: Hereditary neoplastic syndrome; Tumor predisposition; Hereditary Cancer Syndrome; Neoplastic Syndromes, Hereditary. Identifiers: Orphanet 140162, MedGen C0027672, MeSH D009386, MONDO:0015356.
Familial cancer of breast. Also called: Hereditary breast cancer; hereditary breast carcinoma; BREAST CANCER, FAMILIAL. Identifiers: Orphanet 227535, MedGen C0346153, MONDO:0016419, OMIM 114480. Disease mechanism: loss of function.

Submissions (3):

Myriad Genetics, Inc.
Classification: Likely benign for Familial cancer of breast. Last evaluated: 2025-01-09. Review status: criteria provided, single submitter. Criteria: Myriad Autosomal Dominant, Autosomal Recessive and X-Linked Classification Criteria (2023). Collection method: clinical testing. Allele origin: unknown.
Comment: This variant is considered likely benign. This variant is intronic and is not expected to impact mRNA splicing.

Labcorp Genetics (formerly Invitae), Labcorp
Classification: Likely benign for Familial cancer of breast. Last evaluated: 2024-11-14. Review status: criteria provided, single submitter. Criteria: Invitae Variant Classification Sherloc (09022015). Collection method: clinical testing. Allele origin: germline.

Color Diagnostics, LLC DBA Color Health
Classification: Likely benign for Hereditary cancer-predisposing syndrome. Last evaluated: 2016-12-14. Review status: criteria provided, single submitter. Criteria: ACMG Guidelines, 2015. Collection method: clinical testing. Allele origin: germline.

NM_024675.4(PALB2):c.109-18T>C

Gene: PALB2 (partner and localizer of BRCA2; minus strand). Cytogenetic location: 16p12.2.
Variant type: single nucleotide variant.
Coding change: c.109-18T>C on transcript NM_024675.4 (MANE Select); 18 bases into the intron before coding-DNA position 109, T replaced by C.
Molecular consequence: intron variant.
Genome position (GRCh38, 1-based): chr16:23,637,970, A>G on the plus strand (T>C on the coding strand, the complement: PALB2 is on the minus strand). VCF-style: chr16-23637970-A-G. GRCh37 (hg19) VCF-style: chr16-23649291-A-G.
Identifiers: ClinVar variation 492146 (VCV000492146.9), dbSNP rs1555462094, ClinGen allele CA658683929.